The following is an entry in ClinVar:

ClinVar aggregate classification (germline): Uncertain significance. Review status: criteria provided, multiple submitters, no conflicts (2 of 4 stars). 2 submissions from 2 submitters: Uncertain significance (2). Last evaluated 2025-07-21.

Conditions:
Inborn genetic diseases. Identifiers: MedGen C0950123, MeSH D030342.

Allele frequency attached by ClinVar (database versions not stated): gnomAD exomes 0.00002 and 0.00009; ExAC 0.00011; 1000 Genomes Project 30x 0.00016; 1000 Genomes Project 0.00020; ESP Exome Variant Server 0.00023; gnomAD 0.00029 and 0.00031; TOPMed 0.00030.
gnomAD v4.1: 81 of 1,612,270 alleles (0.005%); highest among the groups gnomAD compares: African/African-American, 0.093%; no homozygotes.

Submissions (2):

Labcorp Genetics (formerly Invitae), Labcorp
Classification: Uncertain significance. Last evaluated: 2025-07-21. Review status: criteria provided, single submitter. Criteria: Invitae Variant Classification Sherloc (09022015). Collection method: clinical testing. Allele origin: germline.
Comment: This sequence change replaces alanine, which is neutral and non-polar, with threonine, which is neutral and polar, at codon 431 of the CDT1 protein (p.Ala431Thr). This variant is present in population databases (rs146214741, gnomAD 0.1%). This variant has not been reported in the literature in individuals affected with CDT1-related conditions. ClinVar contains an entry for this variant (Variation ID: 1433385). An algorithm developed to predict the effect of missense changes on protein structure and function outputs the following: PolyPhen-2: "Benign". The threonine amino acid residue is found in multiple mammalian species, which suggests that this missense change does not adversely affect protein function. In summary, the available evidence is currently insufficient to determine the role of this variant in disease. Therefore, it has been classified as a Variant of Uncertain Significance.

Ambry Genetics
Classification: Uncertain significance for Inborn genetic diseases. Last evaluated: 2024-05-15. Review status: criteria provided, single submitter. Criteria: Ambry Variant Classification Scheme 2023. Collection method: clinical testing. Allele origin: germline.

NM_030928.4(CDT1):c.1291G>A (p.Ala431Thr)

Gene: CDT1 (chromatin licensing and DNA replication factor 1; plus strand). Cytogenetic location: 16q24.3.
Variant type: single nucleotide variant.
Coding change: c.1291G>A on transcript NM_030928.4 (MANE Select); coding-DNA position 1291, G replaced by A.
Protein change: p.Ala431Thr; replaces alanine 431 with threonine.
Molecular consequence: missense variant.
Genome position (GRCh38, 1-based): chr16:88,807,296, G>A. VCF-style: chr16-88807296-G-A. GRCh37 (hg19) VCF-style: chr16-88873704-G-A.
Other names: c.1291G>A (NM_030928.3); short protein forms A431T.
Identifiers: ClinVar variation 1433385 (VCV001433385.7), dbSNP rs146214741, ClinGen allele CA8234109.